The following is an entry in ClinVar:

ClinVar aggregate classification (germline): Uncertain significance (1 of 4 stars; one submission).

Allele frequency attached by ClinVar (database versions not stated): gnomAD exomes below 0.00001; ExAC 0.00001; gnomAD 0.00001; TOPMed 0.00001.
gnomAD v4.1: 6 of 1,613,784 alleles (0.00037%); highest among the groups gnomAD compares: Admixed American, 0.0083%; no homozygotes.

Submission:

Labcorp Genetics (formerly Invitae), Labcorp
Classification: Uncertain significance. Last evaluated: 2022-10-17. Review status: criteria provided, single submitter. Criteria: Invitae Variant Classification Sherloc (09022015). Collection method: clinical testing. Allele origin: germline.
Comment: This variant is present in population databases (rs773650710, gnomAD 0.01%). In summary, the available evidence is currently insufficient to determine the role of this variant in disease. Therefore, it has been classified as a Variant of Uncertain Significance. Algorithms developed to predict the effect of sequence changes on RNA splicing suggest that this variant may create or strengthen a splice site. This variant has not been reported in the literature in individuals affected with IMPG1-related conditions. This sequence change affects codon 516 of the IMPG1 mRNA. It is a 'silent' change, meaning that it does not change the encoded amino acid sequence of the IMPG1 protein.

NM_001563.4(IMPG1):c.1548C>A (p.Val516=)

Gene: IMPG1 (interphotoreceptor matrix proteoglycan 1; minus strand). Cytogenetic location: 6q14.1.
Variant type: single nucleotide variant.
Coding change: c.1548C>A on transcript NM_001563.4 (MANE Select); coding-DNA position 1548, C replaced by A.
Protein change: p.Val516=; no amino-acid change (valine 516 retained).
Molecular consequence: synonymous variant.
Genome position (GRCh38, 1-based): chr6:75,950,838, G>T on the plus strand (C>A on the coding strand, the complement: IMPG1 is on the minus strand). VCF-style: chr6-75950838-G-T. GRCh37 (hg19) VCF-style: chr6-76660555-G-T.
Other names: c.1314C>A, p.Val438= (NM_001282368.2).
Identifiers: ClinVar variation 1896929 (VCV001896929.5), dbSNP rs773650710, ClinGen allele CA3898095.